The following is an entry in ClinVar:

ClinVar aggregate classification (germline): Uncertain significance. Review status: reviewed by expert panel (3 of 4 stars). 3 submissions from 3 submitters: Uncertain significance (1). 2 of the submissions do not count toward it. Last evaluated 2024-09-12.

Conditions:
Hereditary thrombocytopenia and hematological cancer predisposition syndrome associated with RUNX1. Also called: Familial Platelet Disorder with Propensity to Acute Myelogenous Leukemia; Familial thrombocytopenia with propensity to acute myelogenous leukemia; RUNX1 Familial Platelet Disorder with Associated Myeloid Malignancies; PLATELET DISORDER, ASPIRIN-LIKE. Identifiers: Orphanet 71290, MedGen C1832388, MeSH C563324, MONDO:0100083, OMIM 601399.
Hereditary thrombocytopenia and hematologic cancer predisposition syndrome. Identifiers: Orphanet 71290, MedGen CN281654, MONDO:0011071.

Submissions (3):

ClinGen Myeloid Malignancy Variant Curation Expert Panel
Classification: Uncertain significance for Hereditary thrombocytopenia and hematologic cancer predisposition syndrome. Last evaluated: 2024-09-12. Review status: reviewed by expert panel. Criteria: ClinGen MyeloMalig ACMG Specifications v2. Collection method: curation. Allele origin: germline. Inheritance: Autosomal dominant inheritance.
Comment: NM_001754.5(RUNX1):c.920C>T (p.Ala307Val) is a missense variant which has a REVEL score < 0.50 (0.098) and a SpliceAI score ≤ 0.20 (Δ score 0.00) (BP4). It is completely absent from all population databases with at least 20x coverage for RUNX1 (PM2_Supporting). In summary, the clinical significance of this variant is uncertain. ACMG/AMP criteria applied, as specified by the Myeloid Malignancy Variant Curation Expert Panel for RUNX1: BP4, PM2_Supporting.

Blueprint Genetics
Classification: Uncertain significance. Last evaluated: 2024-06-07. Review status: criteria provided, single submitter. Criteria: ACMG Guidelines, 2015. Collection method: clinical testing. Allele origin: germline. Not counted in ClinVar's aggregate classification.

Labcorp Genetics (formerly Invitae), Labcorp
Classification: Uncertain significance for Hereditary thrombocytopenia and hematological cancer predisposition syndrome associated with RUNX1. Last evaluated: 2022-02-19. Review status: criteria provided, single submitter. Criteria: Invitae Variant Classification Sherloc (09022015). Collection method: clinical testing. Allele origin: germline. Not counted in ClinVar's aggregate classification.
Comment: In summary, the available evidence is currently insufficient to determine the role of this variant in disease. Therefore, it has been classified as a Variant of Uncertain Significance. Algorithms developed to predict the effect of missense changes on protein structure and function (SIFT, PolyPhen-2, Align-GVGD) all suggest that this variant is likely to be tolerated. This variant has not been reported in the literature in individuals affected with RUNX1-related conditions. This variant is not present in population databases (gnomAD no frequency). This sequence change replaces alanine, which is neutral and non-polar, with valine, which is neutral and non-polar, at codon 307 of the RUNX1 protein (p.Ala307Val).

NM_001754.5(RUNX1):c.920C>T (p.Ala307Val)

Gene: RUNX1 (RUNX family transcription factor 1; minus strand). Cytogenetic location: 21q22.12.
Variant type: single nucleotide variant.
Coding change: c.920C>T on transcript NM_001754.5 (MANE Select); coding-DNA position 920, C replaced by T.
Protein change: p.Ala307Val; replaces alanine 307 with valine.
Molecular consequence: missense variant.
Genome position (GRCh38, 1-based): chr21:34,799,348, G>A on the plus strand (C>T on the coding strand, the complement: RUNX1 is on the minus strand). VCF-style: chr21-34799348-G-A. GRCh37 (hg19) VCF-style: chr21-36171645-G-A.
Other names: NM_001754.5(RUNX1):c.920C>T; p.Ala307Val; c.839C>T, p.Ala280Val (NM_001001890.3); short protein forms A307V, A280V.
Identifiers: ClinVar variation 1967828 (VCV001967828.7), dbSNP rs2145907947, ClinGen allele CA410149655.
Genomic context (GRCh38, chr21:34,799,348, plus strand): 5'-TCAAGTGGCTTACTTGAGAGTCGACTGGAAAGTTCTGCAGAGAGGGTTGTCATGCCGCTG[G>A]CACGTCCAGGTGAAATGGGCGTTGCTGGGTGCACAGAAGGAGAGGCAATGGATCCCAGGT-3'
Protein context (NP_001745.2, residues 297-317): HPATPISPGR[Ala307Val]SGMTTLSAEL